The following is an entry in ClinVar:

NM_020975.6(RET):c.178C>A (p.Pro60Thr)

Gene: RET (ret proto-oncogene; plus strand). Cytogenetic location: 10q11.21.
Variant type: single nucleotide variant.
Coding change: c.178C>A on transcript NM_020975.6 (MANE Select); coding-DNA position 178, C replaced by A.
Protein change: p.Pro60Thr; replaces proline 60 with threonine.
Molecular consequence: missense variant.
Genome position (GRCh38, 1-based): chr10:43,100,563, C>A. VCF-style: chr10-43100563-C-A. GRCh37 (hg19) VCF-style: chr10-43596011-C-A.
Other names: c.178C>A, p.Pro60Thr (NM_000323.2, NM_001406743.1, NM_001406744.1 and 34 more transcripts); short protein forms P60T.
Identifiers: ClinVar variation 405543 (VCV000405543.12), dbSNP rs748402485, ClinGen allele CA16613047.

ClinVar aggregate classification (germline): Uncertain significance. Review status: criteria provided, multiple submitters, no conflicts (2 of 4 stars). 2 submissions from 2 submitters: Uncertain significance (2). Last evaluated 2024-02-26.

Conditions:
Hereditary cancer-predisposing syndrome. Also called: Hereditary Cancer Syndrome; Hereditary neoplastic syndrome; Neoplastic Syndromes, Hereditary; Tumor predisposition. Identifiers: Orphanet 140162, MedGen C0027672, MeSH D009386, MONDO:0015356.
Multiple endocrine neoplasia, type 2 (MEN2). Identifiers: Orphanet 653, MedGen C4048306, MONDO:0019003. Disease mechanism: gain of function.

Submissions (2):

Labcorp Genetics (formerly Invitae), Labcorp
Classification: Uncertain significance for Multiple endocrine neoplasia, type 2. Last evaluated: 2024-02-26. Review status: criteria provided, single submitter. Criteria: Invitae Variant Classification Sherloc (09022015). Collection method: clinical testing. Allele origin: germline.
Comment: This sequence change replaces proline, which is neutral and non-polar, with threonine, which is neutral and polar, at codon 60 of the RET protein (p.Pro60Thr). This variant is not present in population databases (gnomAD no frequency). This variant has not been reported in the literature in individuals affected with RET-related conditions. ClinVar contains an entry for this variant (Variation ID: 405543). An algorithm developed to predict the effect of missense changes on protein structure and function (PolyPhen-2) suggests that this variant is likely to be tolerated. In summary, the available evidence is currently insufficient to determine the role of this variant in disease. Therefore, it has been classified as a Variant of Uncertain Significance.

Ambry Genetics
Classification: Uncertain significance for Hereditary cancer-predisposing syndrome. Last evaluated: 2023-09-28. Review status: criteria provided, single submitter. Criteria: Ambry Variant Classification Scheme 2023. Collection method: clinical testing. Allele origin: germline.
Comment: The p.P60T variant (also known as c.178C>A), located in coding exon 2 of the RET gene, results from a C to A substitution at nucleotide position 178. The proline at codon 60 is replaced by threonine, an amino acid with highly similar properties. This amino acid position is well conserved in available vertebrate species. In addition, this alteration is predicted to be tolerated by in silico analysis. Since supporting evidence is limited at this time, the clinical significance of this alteration remains unclear.